The following is an entry in ClinVar:

NM_000287.4(PEX6):c.1573dup (p.Val525fs)

Gene: PEX6 (peroxisomal biogenesis factor 6; minus strand). Cytogenetic location: 6p21.1.
Variant type: Duplication.
Coding change: c.1573dup on transcript NM_000287.4 (MANE Select); coding-DNA position 1573, one base duplicated (G; older notation c.1573dupG).
Protein change: p.Val525fs; shifts the reading frame from valine 525.
Molecular consequence: frameshift variant. On other transcripts: non-coding transcript variant (1).
Genome position (GRCh38, 1-based): chr6:42,968,405, C duplicated on the plus strand (G on the coding strand, the reverse complement: PEX6 is on the minus strand). VCF-style (leftmost placement, unchanged base first): chr6-42968404-A-AC. GRCh37 (hg19) VCF-style: chr6-42936142-A-AC.
Other names: c.1309dup, p.Val437fs (NM_001316313.2); c.1573dupG (NM_000287.3); short protein forms V437fs, V525fs.
Identifiers: ClinVar variation 1455212 (VCV001455212.7), dbSNP rs2114244815, ClinGen allele CA2573140763.
Genomic context (GRCh38, chr6:42,968,404, plus strand): 5'-GCATCCTCACCCAGCCCATCACGGTCCCGGCCCAGAAGGTCCACAGCTGTGAGCAACAGG[A>AC]CTGCAGGCCGGCAACGGCGGGCCCGGGAGAAGATGGCCTGCAGTTTTGTCTCCACAGCCC-3'

ClinVar aggregate classification (germline): Pathogenic/Likely pathogenic. Review status: criteria provided, multiple submitters, no conflicts (2 of 4 stars). 2 submissions from 2 submitters: Pathogenic (1); Likely pathogenic (1). Last evaluated 2026-01-11.

Conditions:
Peroxisome biogenesis disorder. Identifiers: Orphanet 79189, MedGen C1832200, MONDO:0019234. Disease mechanism: loss of function.
Zellweger spectrum disorders (ZS). Also called: Zellweger Spectrum Disorder; Zellweger Spectrum; Zellweger Spectrum Disorder (ZSD); Zellweger syndrome. Identifiers: Orphanet 912, MedGen C0043459, MONDO:0019609.

Submissions (2):

Natera, Inc.
Classification: Likely pathogenic for Zellweger syndrome. Last evaluated: 2026-01-11. Review status: criteria provided, single submitter. Criteria: Natera Variant Classification Schema (03/2026). Collection method: clinical testing. Allele origin: germline.
Comment: The c.1573dupG variant in PEX6 is a frameshift variant predicted to shift the reading frame beginning at codon 525 and leads to a stop codon 15 codons downstream. This variant is expected to result in nonsense mediated decay, truncation, or a dysfunctional protein product. This variant is rare in the general population with a frequency below the threshold expected for the associated phenotype(s). Given the available evidence, this variant is classified as Likely Pathogenic.

Labcorp Genetics (formerly Invitae), Labcorp
Classification: Pathogenic for Peroxisome biogenesis disorder. Last evaluated: 2025-12-19. Review status: criteria provided, single submitter. Criteria: Invitae Variant Classification Sherloc (09022015). Collection method: clinical testing. Allele origin: germline.
Comment: This sequence change creates a premature translational stop signal (p.Val525Glyfs*15) in the PEX6 gene. It is expected to result in an absent or disrupted protein product. Loss-of-function variants in PEX6 are known to be pathogenic (PMID: 10408779, 21031596, 31831025). This variant is not present in population databases (gnomAD no frequency). This variant has not been reported in the literature in individuals affected with PEX6-related conditions. ClinVar contains an entry for this variant (Variation ID: 1455212). Algorithms developed to predict the effect of sequence changes on RNA splicing suggest that this variant may disrupt the consensus splice site. For these reasons, this variant has been classified as Pathogenic.

Literature cited by the submitters: PubMed 10408779 (cited by Labcorp Genetics (formerly Invitae), Labcorp); PubMed 21031596 (cited by Labcorp Genetics (formerly Invitae), Labcorp); PubMed 31831025 (cited by Labcorp Genetics (formerly Invitae), Labcorp).